The following is an entry in ClinVar:

NM_001142279.2(RNASEH2B):c.741+10009C>T

Gene: RNASEH2B (ribonuclease H2 subunit B; plus strand). Cytogenetic location: 13q14.3.
Variant type: single nucleotide variant.
Coding change: c.741+10009C>T on transcript NM_001142279.2; 10009 bases into the intron after coding-DNA position 741, C replaced by T.
Molecular consequence: intron variant.
Genome position (GRCh38, 1-based): chr13:50,959,514, C>T. VCF-style: chr13-50959514-C-T. GRCh37 (hg19) VCF-style: chr13-51533650-C-T.
Other names: c.742-631C>T (NM_001411023.1).
Identifiers: ClinVar variation 2643819 (VCV002643819.22), dbSNP rs1050374275, ClinGen allele CA249999507.

ClinVar aggregate classification (germline): Likely benign (1 of 4 stars; one submission).

Allele frequency attached by ClinVar (database versions not stated): gnomAD 0.00001; TOPMed 0.00001; 1000 Genomes Project 30x 0.00016.

Submission:

CeGaT Center for Human Genetics Tuebingen
Classification: Likely benign. Last evaluated: 2025-09-01. Review status: criteria provided, single submitter. Criteria: CeGaT Center For Human Genetics Tuebingen Variant Classification Criteria Version 2. Collection method: clinical testing. Allele origin: germline. Affected: yes. Observed: 2 variant alleles.
Comment: RNASEH2B: BP4, BP7